The following is an entry in ClinVar:

ClinVar aggregate classification (germline): Uncertain significance. Review status: criteria provided, multiple submitters, no conflicts (2 of 4 stars). 2 submissions from 2 submitters: Uncertain significance (2). Last evaluated 2022-08-23.

Conditions:
Cortical dysplasia-focal epilepsy syndrome (PTHSL1). Also called: Pitt-Hopkins-like syndrome 1. Identifiers: Orphanet 163681, Orphanet 221150, MedGen C2750246, MONDO:0012400, OMIM 610042.

gnomAD v4.1: 1 of 1,613,476 alleles (0.000062%); no homozygotes.

Submissions (2):

Labcorp Genetics (formerly Invitae), Labcorp
Classification: Uncertain significance for Cortical dysplasia-focal epilepsy syndrome. Last evaluated: 2022-08-23. Review status: criteria provided, single submitter. Criteria: Invitae Variant Classification Sherloc (09022015). Collection method: clinical testing. Allele origin: germline.
Comment: This sequence change replaces alanine, which is neutral and non-polar, with valine, which is neutral and non-polar, at codon 213 of the CNTNAP2 protein (p.Ala213Val). This variant is not present in population databases (gnomAD no frequency). This variant has not been reported in the literature in individuals affected with CNTNAP2-related conditions. ClinVar contains an entry for this variant (Variation ID: 585730). Algorithms developed to predict the effect of missense changes on protein structure and function are either unavailable or do not agree on the potential impact of this missense change (SIFT: "Deleterious"; PolyPhen-2: "Benign"; Align-GVGD: "Class C0"). In summary, the available evidence is currently insufficient to determine the role of this variant in disease. Therefore, it has been classified as a Variant of Uncertain Significance.

Athena Diagnostics
Classification: Uncertain significance. Last evaluated: 2017-11-17. Review status: criteria provided, single submitter. Criteria: Athena Diagnostics Criteria. Collection method: clinical testing. Allele origin: germline.

NM_014141.6(CNTNAP2):c.638C>T (p.Ala213Val)

Gene: CNTNAP2 (contactin associated protein 2; plus strand). Cytogenetic location: 7q35.
Variant type: single nucleotide variant.
Coding change: c.638C>T on transcript NM_014141.6 (MANE Select); coding-DNA position 638, C replaced by T.
Protein change: p.Ala213Val; replaces alanine 213 with valine.
Molecular consequence: missense variant.
Genome position (GRCh38, 1-based): chr7:147,108,234, C>T. VCF-style: chr7-147108234-C-T. GRCh37 (hg19) VCF-style: chr7-146805326-C-T.
Other names: short protein forms A213V.
Identifiers: ClinVar variation 585730 (VCV000585730.6), dbSNP rs1563079216, ClinGen allele CA369923118.
Genomic context (GRCh38, chr7:147,108,234, plus strand): 5'-ATGTTGTATTACCATATAGATTCAGAAACAAGAAGATGAAAACACTGAAAGATGTCATTG[C>T]CTTGAACTTTAAGACGTCTGAAAGTGAAGGAGTAATCCTGCACGGAGAAGGACAGCAAGG-3'
Protein context (NP_054860.1, residues 203-223): KKMKTLKDVI[Ala213Val]LNFKTSESEG